The following is an entry in ClinVar:

ClinVar aggregate classification (germline): Uncertain significance. Review status: criteria provided, multiple submitters, no conflicts (2 of 4 stars). 2 submissions from 2 submitters: Uncertain significance (2). Last evaluated 2026-07-07.

Conditions:
Oligodontia-cancer predisposition syndrome. Also called: TOOTH AGENESIS-COLORECTAL CANCER SYNDROME. Identifiers: Orphanet 300576, MedGen C1837750, MONDO:0012075, OMIM 608615. Disease mechanism: loss of function.
Hereditary cancer-predisposing syndrome. Also called: Hereditary Cancer Syndrome; Tumor predisposition; Hereditary neoplastic syndrome; Neoplastic Syndromes, Hereditary. Identifiers: Orphanet 140162, MedGen C0027672, MeSH D009386, MONDO:0015356.

Submissions (2):

Ambry Genetics
Classification: Uncertain significance for Hereditary cancer-predisposing syndrome. Last evaluated: 2026-07-07. Review status: criteria provided, single submitter. Criteria: Ambry Variant Classification Scheme 2023. Collection method: clinical testing. Allele origin: germline.
Comment: The p.Y477H variant (also known as c.1429T>C), located in coding exon 5 of the AXIN2 gene, results from a T to C substitution at nucleotide position 1429. The tyrosine at codon 477 is replaced by histidine, an amino acid with similar properties. This amino acid position is conserved. In addition, this alteration is predicted to be tolerated by in silico analysis. Based on the available evidence, the clinical significance of this variant remains unclear.

Labcorp Genetics (formerly Invitae), Labcorp
Classification: Uncertain significance for Oligodontia-cancer predisposition syndrome. Last evaluated: 2019-01-20. Review status: criteria provided, single submitter. Criteria: Invitae Variant Classification Sherloc (09022015). Collection method: clinical testing. Allele origin: germline.
Comment: This variant is not present in population databases (ExAC no frequency). This sequence change replaces tyrosine with histidine at codon 477 of the AXIN2 protein (p.Tyr477His). The tyrosine residue is weakly conserved and there is a moderate physicochemical difference between tyrosine and histidine. This variant has not been reported in the literature in individuals with AXIN2-related disease. In summary, the available evidence is currently insufficient to determine the role of this variant in disease. Therefore, it has been classified as a Variant of Uncertain Significance. Algorithms developed to predict the effect of missense changes on protein structure and function output the following: SIFT: "Tolerated"; PolyPhen-2: "Benign"; Align-GVGD: "Class C0". The histidine amino acid residue is found in multiple mammalian species, suggesting that this missense change does not adversely affect protein function. These predictions have not been confirmed by published functional studies and their clinical significance is uncertain.

NM_004655.4(AXIN2):c.1429T>C (p.Tyr477His)

Gene: AXIN2 (axin 2; minus strand). Cytogenetic location: 17q24.1.
Variant type: single nucleotide variant.
Coding change: c.1429T>C on transcript NM_004655.4 (MANE Select); coding-DNA position 1429, T replaced by C.
Protein change: p.Tyr477His; replaces tyrosine 477 with histidine.
Molecular consequence: missense variant.
Genome position (GRCh38, 1-based): chr17:65,537,607, A>G on the plus strand (T>C on the coding strand, the complement: AXIN2 is on the minus strand). VCF-style: chr17-65537607-A-G. GRCh37 (hg19) VCF-style: chr17-63533725-A-G.
Other names: c.1429T>C (LRG_296t1); c.1429T>C, p.Tyr477His (NM_001363813.1); short protein forms Y477H.
Identifiers: ClinVar variation 533230 (VCV000533230.11), dbSNP rs1555577851, ClinGen allele CA400677517.